The following is an entry in ClinVar:

NM_001927.4(DES):c.73C>G (p.Pro25Ala)

Gene: DES (desmin; plus strand). Cytogenetic location: 2q35.
Variant type: single nucleotide variant.
Coding change: c.73C>G on transcript NM_001927.4 (MANE Select); coding-DNA position 73, C replaced by G.
Protein change: p.Pro25Ala; replaces proline 25 with alanine.
Molecular consequence: missense variant.
Genome position (GRCh38, 1-based): chr2:219,418,535, C>G. VCF-style: chr2-219418535-C-G. GRCh37 (hg19) VCF-style: chr2-220283257-C-G.
Other names: c.73C>G, p.Pro25Ala (NM_001382708.1, NM_001382709.1, NM_001382710.1 and 3 more transcripts); short protein forms P25A.
Identifiers: ClinVar variation 2949380 (VCV002949380.3), dbSNP rs1485482974, ClinGen allele CA350682640.
Genomic context (GRCh38, chr2:219,418,535, plus strand): 5'-TACTCGTCCAGCCAGCGCGTGTCCTCCTACCGCCGCACCTTCGGCGGGGCCCCGGGCTTC[C>G]CACTCGGCTCCCCGCTGAGTTCGCCCGTGTTCCCGCGGGCGGGTTTCGGCTCTAAGGGCT-3'
Protein context (NP_001918.3, residues 15-35): RRTFGGAPGF[Pro25Ala]LGSPLSSPVF

ClinVar aggregate classification (germline): Uncertain significance (1 of 4 stars; one submission).

Conditions:
Desmin-related myofibrillar myopathy (MFM1). Also called: Desminopathy; Desmin related myopathy (former name); Desmin storage myopathy (former name); MYOFIBRILLAR MYOPATHY WITH ARRHYTHMOGENIC RIGHT VENTRICULAR CARDIOMYOPATHY; DESMIN-RELATED MYOPATHY WITH ARRHYTHMOGENIC RIGHT VENTRICULAR CARDIOMYOPATHY; Myofibrillar myopathy 1. Identifiers: Orphanet 363543, Orphanet 98909, MedGen C1832370, MONDO:0011076, OMIM 601419.

Submission:

Labcorp Genetics (formerly Invitae), Labcorp
Classification: Uncertain significance for Desmin-related myofibrillar myopathy. Last evaluated: 2023-10-05. Review status: criteria provided, single submitter. Criteria: Invitae Variant Classification Sherloc (09022015). Collection method: clinical testing. Allele origin: germline.
Comment: This sequence change replaces proline, which is neutral and non-polar, with alanine, which is neutral and non-polar, at codon 25 of the DES protein (p.Pro25Ala). This variant is not present in population databases (gnomAD no frequency). This variant has not been reported in the literature in individuals affected with DES-related conditions. Advanced modeling of protein sequence and biophysical properties (such as structural, functional, and spatial information, amino acid conservation, physicochemical variation, residue mobility, and thermodynamic stability) has been performed at Invitae for this missense variant, however the output from this modeling did not meet the statistical confidence thresholds required to predict the impact of this variant on DES protein function. In summary, the available evidence is currently insufficient to determine the role of this variant in disease. Therefore, it has been classified as a Variant of Uncertain Significance.